The following is an entry in ClinVar:

ClinVar aggregate classification (germline): Uncertain significance. Review status: criteria provided, multiple submitters, no conflicts (2 of 4 stars). 2 submissions from 2 submitters: Uncertain significance (2). Last evaluated 2024-12-09.

Conditions:
Inborn genetic diseases. Identifiers: MedGen C0950123, MeSH D030342.

Allele frequency attached by ClinVar (database versions not stated): ExAC 0.00003; gnomAD 0.00003; gnomAD exomes 0.00004 and 0.00005; TOPMed 0.00007.

Submissions (2):

Ambry Genetics
Classification: Uncertain significance for Inborn genetic diseases. Last evaluated: 2024-12-09. Review status: criteria provided, single submitter. Criteria: Ambry Variant Classification Scheme 2023. Collection method: clinical testing. Allele origin: germline.

Labcorp Genetics (formerly Invitae), Labcorp
Classification: Uncertain significance. Last evaluated: 2024-08-12. Review status: criteria provided, single submitter. Criteria: Invitae Variant Classification Sherloc (09022015). Collection method: clinical testing. Allele origin: germline.
Comment: This sequence change replaces alanine, which is neutral and non-polar, with threonine, which is neutral and polar, at codon 1132 of the PCDH12 protein (p.Ala1132Thr). This variant is present in population databases (rs761360118, gnomAD 0.01%). This variant has not been reported in the literature in individuals affected with PCDH12-related conditions. ClinVar contains an entry for this variant (Variation ID: 1466895). Advanced modeling of protein sequence and biophysical properties (such as structural, functional, and spatial information, amino acid conservation, physicochemical variation, residue mobility, and thermodynamic stability) performed at Invitae indicates that this missense variant is not expected to disrupt PCDH12 protein function with a negative predictive value of 95%. In summary, the available evidence is currently insufficient to determine the role of this variant in disease. Therefore, it has been classified as a Variant of Uncertain Significance.

NM_016580.4(PCDH12):c.3394G>A (p.Ala1132Thr)

Gene: PCDH12 (protocadherin 12; minus strand). Cytogenetic location: 5q31.3.
Variant type: single nucleotide variant.
Coding change: c.3394G>A on transcript NM_016580.4 (MANE Select); coding-DNA position 3394, G replaced by A.
Protein change: p.Ala1132Thr; replaces alanine 1132 with threonine.
Molecular consequence: missense variant.
Genome position (GRCh38, 1-based): chr5:141,945,542, C>T on the plus strand (G>A on the coding strand, the complement: PCDH12 is on the minus strand). VCF-style: chr5-141945542-C-T. GRCh37 (hg19) VCF-style: chr5-141325107-C-T.
Other names: c.3394G>A (NM_016580.2); short protein forms A1132T.
Identifiers: ClinVar variation 1466895 (VCV001466895.6), dbSNP rs761360118, ClinGen allele CA3483969.